The following is an entry in ClinVar:

ClinVar aggregate classification (germline): Conflicting classifications of pathogenicity. Review status: criteria provided, conflicting classifications (1 of 4 stars). 2 submissions from 2 submitters: Likely pathogenic (1); Uncertain significance (1). Last evaluated 2025-08-15.

Conditions:
Hereditary cancer-predisposing syndrome. Also called: Tumor predisposition; Neoplastic Syndromes, Hereditary; Hereditary neoplastic syndrome; Hereditary Cancer Syndrome. Identifiers: Orphanet 140162, MedGen C0027672, MeSH D009386, MONDO:0015356.
Familial adenomatous polyposis 2. Also called: MYH-associated polyposis; FAP type 2; COLORECTAL ADENOMATOUS POLYPOSIS, AUTOSOMAL RECESSIVE; ADENOMAS, MULTIPLE COLORECTAL, AUTOSOMAL RECESSIVE; MUTYH-related attenuated familial adenomatous polyposis; MUTYH Polyposis. Identifiers: Orphanet 220460, Orphanet 247798, MedGen C3272841, MONDO:0012041, OMIM 608456.

gnomAD v4.1: 1 of 1,614,128 alleles (0.000062%); highest among the groups gnomAD compares: Admixed American, 0.0017%; no homozygotes.

Submissions (2):

Ambry Genetics
Classification: Likely pathogenic for Hereditary cancer-predisposing syndrome. Last evaluated: 2025-08-15. Review status: criteria provided, single submitter. Criteria: Ambry Variant Classification Scheme 2023. Collection method: clinical testing. Allele origin: germline.
Comment: The p.G286V variant (also known as c.857G>T), located in coding exon 10 of the MUTYH gene, results from a G to T substitution at nucleotide position 857. The glycine at codon 286 is replaced by valine, an amino acid with dissimilar properties. Based on an internal structural analysis using a macromolecular structure from the RCSB Protein Data Bank, this variant is more disruptive than nearby pathogenic MUTYH variants (Burley SK et al. Nucleic Acids Res., 2019 Jan;47:D464-D474). In a massively parallel cell-based functional assay testing 7,8-dihydro-8- oxoguanine:adenine (8OG:A) repair activity, a byproduct of oxidative damage, this variant was reported to be non-functional (Hemker SL et al. Am J Hum Genet. Published online July 29, 2025. DOI: 10.1016/j.ajhg.2025.07.005). This amino acid position is highly conserved in available vertebrate species. In addition, this alteration is predicted to be deleterious by in silico analysis. This variant is considered to be rare based on population cohorts in the Genome Aggregation Database (gnomAD). Based on the majority of available evidence to date, this variant is likely to be pathogenic.

Labcorp Genetics (formerly Invitae), Labcorp
Classification: Uncertain significance for Familial adenomatous polyposis 2. Last evaluated: 2023-09-22. Review status: criteria provided, single submitter. Criteria: Invitae Variant Classification Sherloc (09022015). Collection method: clinical testing. Allele origin: germline.
Comment: This sequence change replaces glycine, which is neutral and non-polar, with valine, which is neutral and non-polar, at codon 286 of the MUTYH protein (p.Gly286Val). This variant is present in population databases (rs730881833, gnomAD 0.003%). This variant has not been reported in the literature in individuals affected with MUTYH-related conditions. ClinVar contains an entry for this variant (Variation ID: 570573). An algorithm developed to predict the effect of missense changes on protein structure and function (PolyPhen-2) suggests that this variant is likely to be disruptive. This variant disrupts the p.Gly286 amino acid residue in MUTYH. Other variant(s) that disrupt this residue have been determined to be pathogenic (PMID: 17703316, 18422726, 25820570, 25892863). This suggests that this residue is clinically significant, and that variants that disrupt this residue are likely to be disease-causing. In summary, the available evidence is currently insufficient to determine the role of this variant in disease. Therefore, it has been classified as a Variant of Uncertain Significance.

Literature cited by the submitters: PubMed 30357411 (cited by Ambry Genetics); PubMed 40738107 (cited by Ambry Genetics); PubMed 17703316 (cited by Labcorp Genetics (formerly Invitae), Labcorp); PubMed 18422726 (cited by Labcorp Genetics (formerly Invitae), Labcorp); PubMed 25820570 (cited by Labcorp Genetics (formerly Invitae), Labcorp); PubMed 25892863 (cited by Labcorp Genetics (formerly Invitae), Labcorp).

NM_001048174.2(MUTYH):c.773G>T (p.Gly258Val)

Gene: MUTYH (mutY DNA glycosylase; minus strand). Cytogenetic location: 1p34.1.
Variant type: single nucleotide variant.
Coding change: c.773G>T on transcript NM_001048174.2 (MANE Select); coding-DNA position 773, G replaced by T.
Protein change: p.Gly258Val; replaces glycine 258 with valine.
Molecular consequence: missense variant. On other transcripts: non-coding transcript variant (2).
Genome position (GRCh38, 1-based): chr1:45,332,242, C>A on the plus strand (G>T on the coding strand, the complement: MUTYH is on the minus strand). VCF-style: chr1-45332242-C-A. GRCh37 (hg19) VCF-style: chr1-45797914-C-A.
Other names: c.773G>T, p.Gly258Val (NM_001048171.2, NM_001048173.2, NM_001293195.2); c.776G>T, p.Gly259Val (NM_001048172.2); c.857G>T, p.Gly286Val (NM_001128425.2); c.818G>T, p.Gly273Val (NM_001293190.2); c.806G>T, p.Gly269Val (NM_001293191.2); c.497G>T, p.Gly166Val (NM_001293192.2, NM_001293196.2); c.428G>T, p.Gly143Val (NM_001350650.2, NM_001350651.2); c.848G>T, p.Gly283Val (NM_012222.3); short protein forms G286V, G143V, G166V, G258V, G283V, G259V, G273V, G269V.
Identifiers: ClinVar variation 570573 (VCV000570573.12), dbSNP rs730881833, ClinGen allele CA059361.